The following is an entry in ClinVar:

ClinVar aggregate classification (germline): Benign/Likely benign. Review status: criteria provided, multiple submitters, no conflicts (2 of 4 stars). 7 submissions from 7 submitters: Benign (1); Likely benign (5). 1 of the submissions does not count toward it. Last evaluated 2026-08-04.

Conditions:
Hereditary pheochromocytoma and paraganglioma. Also called: Hereditary Paraganglioma-Pheochromocytoma Syndromes; Hereditary paragangliomas and pheochromocytomas; Hereditary pheochromocytoma-paraganglioma. Identifiers: Orphanet 29072, MedGen C4274332, MONDO:0017366.
SDHAF2-related disorder. Also called: SDHAF2-related condition.
Hereditary cancer-predisposing syndrome. Also called: Hereditary Cancer Syndrome; Hereditary neoplastic syndrome; Neoplastic Syndromes, Hereditary; Tumor predisposition. Identifiers: Orphanet 140162, MedGen C0027672, MeSH D009386, MONDO:0015356.
Pheochromocytoma/paraganglioma syndrome 2. Also called: GLOMUS TUMORS, FAMILIAL, 2; Paragangliomas 2; SDHAF2-Related Hereditary Paraganglioma-Pheochromocytoma Syndrome (Paragangliomas 2); SDHAF2-Related Hereditary Paraganglioma-Pheochromocytoma Syndrome. Identifiers: Orphanet 29072, MedGen C1866552, MONDO:0011121, OMIM 601650.

Allele frequency attached by ClinVar (database versions not stated): TOPMed 0.00001; gnomAD 0.00003.
gnomAD v4.1: 14 of 1,614,104 alleles (0.00087%); highest among the groups gnomAD compares: Admixed American, 0.0017%; no homozygotes.

Submissions (7):

Myriad Genetics, Inc.
Classification: Benign for Pheochromocytoma/paraganglioma syndrome 2. Last evaluated: 2026-08-04. Review status: criteria provided, single submitter. Criteria: Myriad Autosomal Dominant, Autosomal Recessive and X-Linked Classification Criteria (2023). Collection method: clinical testing. Allele origin: unknown.
Comment: This variant is considered benign. This variant is a silent/synonymous amino acid change and it is not expected to impact splicing.

Labcorp Genetics (formerly Invitae), Labcorp
Classification: Likely benign for Hereditary pheochromocytoma and paraganglioma. Last evaluated: 2026-01-16. Review status: criteria provided, single submitter. Criteria: Invitae Variant Classification Sherloc (09022015). Collection method: clinical testing. Allele origin: germline.

Quest Diagnostics Nichols Institute San Juan Capistrano
Classification: Likely benign. Last evaluated: 2025-07-11. Review status: criteria provided, single submitter. Criteria: Quest Diagnostics criteria. Collection method: clinical testing. Allele origin: unknown.

All of Us Research Program, National Institutes of Health
Classification: Likely benign for Hereditary pheochromocytoma and paraganglioma. Last evaluated: 2024-02-05. Review status: criteria provided, single submitter. Criteria: ACMG Guidelines, 2015. Collection method: clinical testing. Allele origin: germline. Inheritance: Autosomal dominant inheritance. Observed: 8 variant alleles, 8 heterozygotes.
Comment: This study involves interpretation of variants in research participants for the purpose of population health screening. Participant phenotype was not available at the time of variant classification. Additional details can be found in publication PMID: 35346344, PMCID: PMC8962531

Color Diagnostics, LLC DBA Color Health
Classification: Likely benign for Hereditary pheochromocytoma and paraganglioma. Last evaluated: 2022-11-06. Review status: criteria provided, single submitter. Criteria: ACMG Guidelines, 2015. Collection method: clinical testing. Allele origin: germline.

Ambry Genetics
Classification: Likely benign for Hereditary cancer-predisposing syndrome. Last evaluated: 2017-06-15. Review status: criteria provided, single submitter. Criteria: Ambry Variant Classification Scheme 2023. Collection method: clinical testing. Allele origin: germline.

PreventionGenetics, part of Exact Sciences
Classification: Likely benign for SDHAF2-related condition. Last evaluated: 2023-12-04. Review status: no assertion criteria provided. Collection method: clinical testing. Allele origin: germline. Not counted in ClinVar's aggregate classification.
Comment: This variant is classified as likely benign based on ACMG/AMP sequence variant interpretation guidelines (Richards et al. 2015 PMID: 25741868, with internal and published modifications).

NM_017841.4(SDHAF2):c.6G>A (p.Ala2=)

Gene: SDHAF2 (succinate dehydrogenase complex assembly factor 2; plus strand). Cytogenetic location: 11q12.2.
Variant type: single nucleotide variant.
Coding change: c.6G>A on transcript NM_017841.4 (MANE Select); coding-DNA position 6, G replaced by A.
Protein change: p.Ala2=; no amino-acid change (alanine 2 retained).
Molecular consequence: synonymous variant.
Genome position (GRCh38, 1-based): chr11:61,430,152, G>A. VCF-style: chr11-61430152-G-A. GRCh37 (hg19) VCF-style: chr11-61197624-G-A.
Identifiers: ClinVar variation 463832 (VCV000463832.24), dbSNP rs747571875, ClinGen allele CA059546.